The following is an entry in ClinVar:

NM_178844.4(NLRC3):c.2687+86C>G

Genes: NLRC3 (NLR family CARD domain containing 3; minus strand), LOC130058342 (ATAC-STARR-seq lymphoblastoid active region 10326; plus strand). Cytogenetic location: 16p13.3.
Variant type: single nucleotide variant.
Coding change: c.2687+86C>G on transcript NM_178844.4 (MANE Select); 86 bases into the intron after coding-DNA position 2687, C replaced by G.
Molecular consequence: intron variant.
Genome position (GRCh38, 1-based): chr16:3,548,584, G>C on the plus strand (C>G on the coding strand, the complement: NLRC3 is on the minus strand). VCF-style: chr16-3548584-G-C. GRCh37 (hg19) VCF-style: chr16-3598584-G-C.
Identifiers: ClinVar variation 102960 (VCV000102960.2), dbSNP rs199476287, ClinGen allele CA229924.

ClinVar aggregate classification (germline): not provided (0 of 4 stars; one submission).

Allele frequency attached by ClinVar (database versions not stated): gnomAD 0.00001.

Submission:

Human Evolutionary Genetics, Institut Pasteur
No classification provided. Review status: no classification provided. Collection method: not provided. Allele origin: germline.
ClinVar note: Converted during submission from untested to not provided.